The following is an entry in ClinVar:

ClinVar aggregate classification (germline): Uncertain significance (1 of 4 stars; one submission).

Allele frequency attached by ClinVar (database versions not stated): gnomAD exomes below 0.00001 and 0.00001; ExAC 0.00001.
gnomAD v4.1: 12 of 1,613,822 alleles (0.00074%); highest among the groups gnomAD compares: Non-Finnish European, 0.00085%; no homozygotes.

Submission:

Labcorp Genetics (formerly Invitae), Labcorp
Classification: Uncertain significance. Last evaluated: 2026-01-26. Review status: criteria provided, single submitter. Criteria: Invitae Variant Classification Sherloc (09022015). Collection method: clinical testing. Allele origin: germline.
Comment: This sequence change replaces glutamic acid, which is acidic and polar, with lysine, which is basic and polar, at codon 520 of the WDR62 protein (p.Glu520Lys). The frequency data for this variant in the population databases is considered unreliable, as metrics indicate poor data quality at this position in the gnomAD database. This variant has not been reported in the literature in individuals affected with WDR62-related conditions. ClinVar contains an entry for this variant (Variation ID: 1460801). Invitae Evidence Modeling of protein sequence and biophysical properties (such as structural, functional, and spatial information, amino acid conservation, physicochemical variation, residue mobility, and thermodynamic stability) has been performed for this missense variant. However, the output from this modeling did not meet the statistical confidence thresholds required to predict the impact of this variant on WDR62 protein function. In summary, the available evidence is currently insufficient to determine the role of this variant in disease. Therefore, it has been classified as a Variant of Uncertain Significance.

NM_001083961.2(WDR62):c.1558G>A (p.Glu520Lys)

Gene: WDR62 (WD repeat domain 62; plus strand). Cytogenetic location: 19q13.12.
Variant type: single nucleotide variant.
Coding change: c.1558G>A on transcript NM_001083961.2 (MANE Select); coding-DNA position 1558, G replaced by A.
Protein change: p.Glu520Lys; replaces glutamic acid 520 with lysine.
Molecular consequence: missense variant.
Genome position (GRCh38, 1-based): chr19:36,084,660, G>A. VCF-style: chr19-36084660-G-A. GRCh37 (hg19) VCF-style: chr19-36575562-G-A.
Other names: c.1558G>A, p.Glu520Lys (NM_173636.5); short protein forms E520K.
Identifiers: ClinVar variation 1460801 (VCV001460801.8), dbSNP rs747964654, ClinGen allele CA9395650.